The following is an entry in ClinVar:

NM_000238.4(KCNH2):c.2398+10G>A

Gene: KCNH2 (potassium voltage-gated channel subfamily H member 2; minus strand). Cytogenetic location: 7q36.1.
Variant type: single nucleotide variant.
Coding change: c.2398+10G>A on transcript NM_000238.4 (MANE Select); 10 bases into the intron after coding-DNA position 2398, G replaced by A.
Molecular consequence: intron variant. On other transcripts: nonsense (5).
Genome position (GRCh38, 1-based): chr7:150,950,158, C>T on the plus strand (G>A on the coding strand, the complement: KCNH2 is on the minus strand). VCF-style: chr7-150950158-C-T. GRCh37 (hg19) VCF-style: chr7-150647246-C-T.
Other names: c.1388G>A, p.Trp463Ter (NM_001204798.2); c.2231G>A, p.Trp744Ter (NM_001406755.1); c.2120G>A, p.Trp707Ter (NM_001406756.1); c.2108G>A, p.Trp703Ter (NM_001406757.1); c.2408G>A, p.Trp803Ter (NM_172056.3); c.1378+10G>A (NM_172057.3); short protein forms W463*, W803*, W703*, W707*, W744*.
Identifiers: ClinVar variation 669612 (VCV000669612.6), dbSNP rs750281789, ClinGen allele CA031948.

ClinVar aggregate classification (germline): Conflicting classifications of pathogenicity. Review status: criteria provided, conflicting classifications (1 of 4 stars). 2 submissions from 2 submitters: Uncertain significance (1); Likely benign (1). Last evaluated 2023-08-29.

Conditions:
Long QT syndrome (LQTS). Identifiers: MedGen C0023976, MeSH D008133, MONDO:0002442. Disease mechanism: loss of function. Inheritance: Various modes of inheritance.

Allele frequency attached by ClinVar (database versions not stated): TOPMed 0.00001.
gnomAD v4.1: 1 of 807,260 alleles (0.00012%); highest among the groups gnomAD compares: South Asian, 0.0013%; no homozygotes.

Submissions (2):

Labcorp Genetics (formerly Invitae), Labcorp
Classification: Uncertain significance for Long QT syndrome. Last evaluated: 2023-08-29. Review status: criteria provided, single submitter. Criteria: Invitae Variant Classification Sherloc (09022015). Collection method: clinical testing. Allele origin: germline.
Comment: ClinVar contains an entry for this variant (Variation ID: 669612). This variant has not been reported in the literature in individuals affected with KCNH2-related conditions. Algorithms developed to predict the effect of sequence changes on RNA splicing suggest that this variant may create or strengthen a splice site. In summary, the available evidence is currently insufficient to determine the role of this variant in disease. Therefore, it has been classified as a Variant of Uncertain Significance. This sequence change falls in intron 9 of the KCNH2 gene. It does not directly change the encoded amino acid sequence of the KCNH2 protein. This variant is present in population databases (rs750281789, gnomAD 0.003%).

GeneDx
Classification: Likely benign. Last evaluated: 2018-06-13. Review status: criteria provided, single submitter. Criteria: GeneDx Variant Classification (06012015). Collection method: clinical testing. Allele origin: germline. Affected: yes.
Comment: This variant is considered likely benign or benign based on one or more of the following criteria: it is a conservative change, it occurs at a poorly conserved position in the protein, it is predicted to be benign by multiple in silico algorithms, and/or has population frequency not consistent with disease.